The following is an entry in ClinVar:

ClinVar aggregate classification (germline): Uncertain significance (1 of 4 stars; one submission).

Submission:

GeneDx
Classification: Uncertain significance. Last evaluated: 2022-01-25. Review status: criteria provided, single submitter. Criteria: GeneDx Variant Classification Process June 2021. Collection method: clinical testing. Allele origin: germline. Affected: yes.
Comment: Not observed at significant frequency in large population cohorts (gnomAD); In-frame deletion of 1 amino acid in a non-repeat region; In silico analysis supports a deleterious effect on protein structure/function; Has not been previously published as pathogenic or benign to our knowledge

NM_020795.4(NLGN2):c.2465ACA[2] (p.Asn824del)

Gene: NLGN2 (neuroligin 2; plus strand). Cytogenetic location: 17p13.1.
Variant type: Microsatellite.
Coding change: c.2465ACA[2] on transcript NM_020795.4 (MANE Select); two copies in a row of the 3-base unit ACA starting at c.2465; the reference has three copies in a row; one copy, 3 bases deleted.
Protein change: p.Asn824del; deletes asparagine 824.
Molecular consequence: inframe deletion.
Genome position (GRCh38, 1-based): chr17:7,417,762-7,417,764, ACA deleted; deleting any 3 consecutive bases within chr17:7,417,756-7,417,764 gives the same sequence; the position shown is the placement nearest the transcript's 3' end. VCF-style (leftmost placement, unchanged base first): chr17-7417755-CACA-C. GRCh37 (hg19) VCF-style: chr17-7321074-CACA-C.
Other names: short protein forms N824del.
Identifiers: ClinVar variation 1698056 (VCV001698056.2), dbSNP rs977358390, ClinGen allele CA287457555.